The following is an entry in ClinVar:

ClinVar aggregate classification (germline): Likely benign (0 of 4 stars; one submission).

Conditions:
TET1-related disorder. Also called: TET1-related condition.

Allele frequency attached by ClinVar (database versions not stated): 1000 Genomes Project 30x 0.00016; 1000 Genomes Project 0.00020; gnomAD exomes 0.00039; TOPMed 0.00043; gnomAD 0.00051; ExAC 0.00060; ESP Exome Variant Server 0.00069.
gnomAD v4.1: 647 of 1,614,048 alleles (0.04%); highest among the groups gnomAD compares: Non-Finnish European, 0.038%; 2 homozygotes.

Submission:

PreventionGenetics, part of Exact Sciences
Classification: Likely benign for TET1-related condition. Last evaluated: 2019-04-24. Review status: no assertion criteria provided. Collection method: clinical testing. Allele origin: germline.
Comment: This variant is classified as likely benign based on ACMG/AMP sequence variant interpretation guidelines (Richards et al. 2015 PMID: 25741868, with internal and published modifications).

NM_030625.3(TET1):c.6084C>T (p.His2028=)

Gene: TET1 (tet methylcytosine dioxygenase 1; plus strand). Cytogenetic location: 10q21.3.
Variant type: single nucleotide variant.
Coding change: c.6084C>T on transcript NM_030625.3 (MANE Select); coding-DNA position 6084, C replaced by T.
Protein change: p.His2028=; no amino-acid change (histidine 2028 retained).
Molecular consequence: synonymous variant.
Genome position (GRCh38, 1-based): chr10:68,691,487, C>T. VCF-style: chr10-68691487-C-T. GRCh37 (hg19) VCF-style: chr10-70451244-C-T.
Other names: c.6171C>T, p.His2057= (NM_001406365.1); c.4260C>T, p.His1420= (NM_001406367.1); c.4158C>T, p.His1386= (NM_001406368.1, NM_001406369.1, NM_001406370.1); c.4071C>T, p.His1357= (NM_001406371.1, NM_001406372.1); c.3678C>T, p.His1226= (NM_001406373.1); c.3591C>T, p.His1197= (NM_001406374.1); c.1815C>T, p.His605= (NM_001406375.1); c.1728C>T, p.His576= (NM_001406376.1).
Identifiers: ClinVar variation 3046323 (VCV003046323.2), dbSNP rs149262901, ClinGen allele CA5526995.